The following is an entry in ClinVar:

NM_000883.4(IMPDH1):c.1612A>G (p.Ile538Val)

Gene: IMPDH1 (inosine monophosphate dehydrogenase 1; minus strand). Cytogenetic location: 7q32.1.
Variant type: single nucleotide variant.
Coding change: c.1612A>G on transcript NM_000883.4 (MANE Select); coding-DNA position 1612, A replaced by G.
Protein change: p.Ile538Val; replaces isoleucine 538 with valine.
Molecular consequence: missense variant.
Genome position (GRCh38, 1-based): chr7:128,394,538, T>C on the plus strand (A>G on the coding strand, the complement: IMPDH1 is on the minus strand). VCF-style: chr7-128394538-T-C. GRCh37 (hg19) VCF-style: chr7-128034592-T-C.
Other names: c.1582A>G, p.Ile528Val (NM_001102605.2); c.1357A>G, p.Ile453Val (NM_001142573.2); c.1342A>G, p.Ile448Val (NM_001142574.2); c.1282A>G, p.Ile428Val (NM_001142575.2); c.1513A>G, p.Ile505Val (NM_001142576.2); c.1405A>G, p.Ile469Val (NM_001304521.2); c.1504A>G, p.Ile502Val (NM_183243.3); short protein forms I505V, I428V, I469V, I502V, I528V, I448V, I453V, I538V.
Identifiers: ClinVar variation 2183770 (VCV002183770.5), dbSNP rs2535726142, ClinGen allele CA369162243.

ClinVar aggregate classification (germline): Uncertain significance. Review status: criteria provided, multiple submitters, no conflicts (2 of 4 stars). 2 submissions from 2 submitters: Uncertain significance (2). Last evaluated 2021-12-24.

Submissions (2):

Labcorp Genetics (formerly Invitae), Labcorp
Classification: Uncertain significance. Last evaluated: 2021-12-24. Review status: criteria provided, single submitter. Criteria: Invitae Variant Classification Sherloc (09022015). Collection method: clinical testing. Allele origin: germline.
Comment: This sequence change replaces isoleucine, which is neutral and non-polar, with valine, which is neutral and non-polar, at codon 538 of the IMPDH1 protein (p.Ile538Val). This variant is not present in population databases (gnomAD no frequency). This variant has not been reported in the literature in individuals affected with IMPDH1-related conditions. Algorithms developed to predict the effect of missense changes on protein structure and function (SIFT, PolyPhen-2, Align-GVGD) all suggest that this variant is likely to be tolerated. In summary, the available evidence is currently insufficient to determine the role of this variant in disease. Therefore, it has been classified as a Variant of Uncertain Significance.

Blueprint Genetics
Classification: Uncertain significance. Last evaluated: 2020-09-14. Review status: criteria provided, single submitter. Criteria: ACMG Guidelines, 2015. Collection method: clinical testing. Allele origin: germline.